The following is an entry in ClinVar:

ClinVar aggregate classification (germline): Likely benign (0 of 4 stars; one submission).

Conditions:
KNG1-related disorder. Also called: KNG1-related condition.

Allele frequency attached by ClinVar (database versions not stated): TOPMed 0.00002; gnomAD 0.00003; gnomAD exomes 0.00005; ExAC 0.00012; 1000 Genomes Project 30x 0.00094; 1000 Genomes Project 0.00100.

Submission:

PreventionGenetics, part of Exact Sciences
Classification: Likely benign for KNG1-related condition. Last evaluated: 2019-05-14. Review status: no assertion criteria provided. Collection method: clinical testing. Allele origin: germline.
Comment: This variant is classified as likely benign based on ACMG/AMP sequence variant interpretation guidelines (Richards et al. 2015 PMID: 25741868, with internal and published modifications).

NM_001102416.3(KNG1):c.1053C>T (p.Cys351=)

Gene: KNG1 (kininogen 1; plus strand). Cytogenetic location: 3q27.3.
Variant type: single nucleotide variant.
Coding change: c.1053C>T on transcript NM_001102416.3 (MANE Select); coding-DNA position 1053, C replaced by T.
Protein change: p.Cys351=; no amino-acid change (cysteine 351 retained).
Molecular consequence: synonymous variant.
Genome position (GRCh38, 1-based): chr3:186,739,342, C>T. VCF-style: chr3-186739342-C-T. GRCh37 (hg19) VCF-style: chr3-186457131-C-T.
Other names: c.1053C>T, p.Cys351= (NM_000893.4); c.945C>T, p.Cys315= (NM_001166451.2).
Identifiers: ClinVar variation 3041593 (VCV003041593.2), dbSNP rs567819050, ClinGen allele CA2746373.
Genomic context (GRCh38, chr3:186,739,342, plus strand): 5'-TCGTGAATAACACTGTCTCTCTTTCGACTTCTGTTTTCATGGATAGCAAAGCCTAGATTG[C>T]AACGCTGAAGTTTATGTGGTACCCTGGGAGAAAAAAATTTACCCTACTGTCAACTGTCAA-3'
Protein context (NP_001095886.1, residues 341-361): ETKKLGQSLD[Cys351=]NAEVYVVPWE